The following is an entry in ClinVar:

NM_015360.5(MTREX):c.1482A>G (p.Arg494=)

Gene: MTREX (Mtr4 exosome RNA helicase; plus strand). Cytogenetic location: 5q11.2.
Variant type: single nucleotide variant.
Coding change: c.1482A>G on transcript NM_015360.5 (MANE Select); coding-DNA position 1482, A replaced by G.
Protein change: p.Arg494=; no amino-acid change (arginine 494 retained).
Molecular consequence: synonymous variant.
Genome position (GRCh38, 1-based): chr5:55,353,218, A>G. VCF-style: chr5-55353218-A-G. GRCh37 (hg19) VCF-style: chr5-54649046-A-G.
Identifiers: ClinVar variation 2655463 (VCV002655463.24), dbSNP rs141523339, ClinGen allele CA3268364.
Genomic context (GRCh38, chr5:55,353,218, plus strand): 5'-ATTTACTTAGGCCTTATTTGCCACGGAGACCTTTGCTATGGGAATTAACATGCCAGCTAG[A>G]ACTGTTTTATTTACAAATGCCCGCAAATTTGATGGGAAGGATTTCCGATGGGTAAGTAAA-3'
Protein context (NP_056175.3, residues 484-504): TFAMGINMPA[Arg494=]TVLFTNARKF

ClinVar aggregate classification (germline): Likely benign (1 of 4 stars; one submission).

Allele frequency attached by ClinVar (database versions not stated): 1000 Genomes Project 30x 0.00031; 1000 Genomes Project 0.00040; gnomAD 0.00141; TOPMed 0.00155; ExAC 0.00167; ESP Exome Variant Server 0.00238.

Submission:

CeGaT Center for Human Genetics Tuebingen
Classification: Likely benign. Last evaluated: 2023-03-01. Review status: criteria provided, single submitter. Criteria: CeGaT Center For Human Genetics Tuebingen Variant Classification Criteria Version 2. Collection method: clinical testing. Allele origin: germline. Affected: yes. Observed: 1 variant allele.
Comment: MTREX: BP4, BP7